The following is an entry in ClinVar:

NM_020338.4(ZMIZ1):c.1602A>C (p.Gln534His)

Gene: ZMIZ1 (zinc finger MIZ-type containing 1; plus strand). Cytogenetic location: 10q22.3.
Variant type: single nucleotide variant.
Coding change: c.1602A>C on transcript NM_020338.4 (MANE Select); coding-DNA position 1602, A replaced by C.
Protein change: p.Gln534His; replaces glutamine 534 with histidine.
Molecular consequence: missense variant.
Genome position (GRCh38, 1-based): chr10:79,298,516, A>C. VCF-style: chr10-79298516-A-C. GRCh37 (hg19) VCF-style: chr10-81058273-A-C.
Other names: short protein forms Q534H.
Identifiers: ClinVar variation 1309163 (VCV001309163.2), dbSNP rs1854065491, ClinGen allele CA377337432.

ClinVar aggregate classification (germline): Uncertain significance (1 of 4 stars; one submission).

Submission:

GeneDx
Classification: Uncertain significance. Last evaluated: 2019-10-13. Review status: criteria provided, single submitter. Criteria: GeneDx Variant Classification Process June 2021. Collection method: clinical testing. Allele origin: germline. Affected: yes.
Comment: Not observed in large population cohorts (Lek et al., 2016); In silico analysis, which includes protein predictors and evolutionary conservation, supports a deleterious effect; Has not been previously published as pathogenic or benign to our knowledge